The following is an entry in ClinVar:

NM_017570.5(OPLAH):c.271C>T (p.Arg91Trp)

Gene: OPLAH (5-oxoprolinase, ATP-hydrolysing; minus strand). Cytogenetic location: 8q24.3.
Variant type: single nucleotide variant.
Coding change: c.271C>T on transcript NM_017570.5 (MANE Select); coding-DNA position 271, C replaced by T.
Protein change: p.Arg91Trp; replaces arginine 91 with tryptophan.
Molecular consequence: missense variant.
Genome position (GRCh38, 1-based): chr8:144,059,691, G>A on the plus strand (C>T on the coding strand, the complement: OPLAH is on the minus strand). VCF-style: chr8-144059691-G-A. GRCh37 (hg19) VCF-style: chr8-145114594-G-A.
Other names: c.271C>T (NM_017570.3); short protein forms R91W.
Identifiers: ClinVar variation 1350501 (VCV001350501.7), dbSNP rs575947480, ClinGen allele CA4932339.
Genomic context (GRCh38, chr8:144,059,691, plus strand): 5'-CAATGTGCAGCAGGTCTCGGAAGCCACGTGTCACCAGCAGCGCCACCCGCTCCCCCTTCC[G>A]CTCCAGCAGTGCGTTGGTGGCCACTGTGGTGCCCATGCGGATGCTGGCGATATGACTGGA-3'
Protein context (NP_060040.1, residues 81-101): TTVATNALLE[Arg91Trp]KGERVALLVT

ClinVar aggregate classification (germline): Uncertain significance. Review status: criteria provided, multiple submitters, no conflicts (2 of 4 stars). 3 submissions from 3 submitters: Uncertain significance (3). Last evaluated 2024-10-08.

Conditions:
5-Oxoprolinase deficiency (OPLAHD). Also called: 5-OXOPROLINURIA DUE TO 5-OXOPROLINASE DEFICIENCY. Identifiers: Orphanet 33572, MedGen C0268525, MONDO:0009825, OMIM 260005, HP:0040142.

Allele frequency attached by ClinVar (database versions not stated): ExAC 0.00002; gnomAD exomes 0.00002; gnomAD 0.00005; TOPMed 0.00006; 1000 Genomes Project 30x 0.00016; 1000 Genomes Project 0.00020.

Submissions (3):

Labcorp Genetics (formerly Invitae), Labcorp
Classification: Uncertain significance for 5-Oxoprolinase deficiency. Last evaluated: 2024-10-08. Review status: criteria provided, single submitter. Criteria: Invitae Variant Classification Sherloc (09022015). Collection method: clinical testing. Allele origin: germline.
Comment: This sequence change replaces arginine, which is basic and polar, with tryptophan, which is neutral and slightly polar, at codon 91 of the OPLAH protein (p.Arg91Trp). The frequency data for this variant in the population databases is considered unreliable, as metrics indicate poor data quality at this position in the gnomAD database. This variant has not been reported in the literature in individuals affected with OPLAH-related conditions. ClinVar contains an entry for this variant (Variation ID: 1350501). Experimental studies and prediction algorithms are not available or were not evaluated, and the functional significance of this variant is currently unknown. In summary, the available evidence is currently insufficient to determine the role of this variant in disease. Therefore, it has been classified as a Variant of Uncertain Significance.

Ambry Genetics
Classification: Uncertain significance. Last evaluated: 2024-01-30. Review status: criteria provided, single submitter. Criteria: Ambry Variant Classification Scheme 2023. Collection method: clinical testing. Allele origin: germline.

Fulgent Genetics
Classification: Uncertain significance for 5-Oxoprolinase deficiency. Last evaluated: 2022-05-09. Review status: criteria provided, single submitter. Criteria: ACMG Guidelines, 2015. Collection method: clinical testing. Allele origin: unknown.